The following is an entry in ClinVar:

ClinVar aggregate classification (germline): Likely benign. Review status: criteria provided, multiple submitters, no conflicts (2 of 4 stars). 3 submissions from 3 submitters: Likely benign (2). 1 of the submissions does not count toward it. Last evaluated 2026-01-09.

Conditions:
LAMA5-related disorder. Also called: LAMA5-related condition; LAMA5-Related Disorders.

Allele frequency attached by ClinVar (database versions not stated): ExAC 0.00063; gnomAD exomes 0.00076; 1000 Genomes Project 30x 0.00078; 1000 Genomes Project 0.00100; TOPMed 0.00109; gnomAD 0.00116; ESP Exome Variant Server 0.00146.
gnomAD v4.1: 1,288 of 1,612,570 alleles (0.08%); highest among the groups gnomAD compares: African/African-American, 0.24%; 1 homozygote.

Submissions (3):

Labcorp Genetics (formerly Invitae), Labcorp
Classification: Likely benign. Last evaluated: 2026-01-09. Review status: criteria provided, single submitter. Criteria: Invitae Variant Classification Sherloc (09022015). Collection method: clinical testing. Allele origin: germline.

CeGaT Center for Human Genetics Tuebingen
Classification: Likely benign. Last evaluated: 2025-02-01. Review status: criteria provided, single submitter. Criteria: CeGaT Center For Human Genetics Tuebingen Variant Classification Criteria Version 2. Collection method: clinical testing. Allele origin: germline. Affected: yes. Observed: 2 variant alleles.
Comment: LAMA5: BP4

PreventionGenetics, part of Exact Sciences
Classification: Likely benign for LAMA5-related condition. Last evaluated: 2022-04-18. Review status: no assertion criteria provided. Collection method: clinical testing. Allele origin: germline. Not counted in ClinVar's aggregate classification.
Comment: This variant is classified as likely benign based on ACMG/AMP sequence variant interpretation guidelines (Richards et al. 2015 PMID: 25741868, with internal and published modifications).

NM_005560.6(LAMA5):c.10693C>T (p.Arg3565Trp)

Gene: LAMA5 (laminin subunit alpha 5; minus strand). Cytogenetic location: 20q13.33.
Variant type: single nucleotide variant.
Coding change: c.10693C>T on transcript NM_005560.6 (MANE Select); coding-DNA position 10693, C replaced by T.
Protein change: p.Arg3565Trp; replaces arginine 3565 with tryptophan.
Molecular consequence: missense variant.
Genome position (GRCh38, 1-based): chr20:62,310,219, G>A on the plus strand (C>T on the coding strand, the complement: LAMA5 is on the minus strand). VCF-style: chr20-62310219-G-A. GRCh37 (hg19) VCF-style: chr20-60885275-G-A.
Other names: c.10693C>T (NM_005560.4); short protein forms R3565W.
Identifiers: ClinVar variation 2060663 (VCV002060663.29), dbSNP rs146516865, ClinGen allele CA9939680.